The following is an entry in ClinVar:

ClinVar aggregate classification (germline): Benign/Likely benign. Review status: criteria provided, multiple submitters, no conflicts (2 of 4 stars). 4 submissions from 4 submitters: Benign (1); Likely benign (3). Last evaluated 2025-06-09.

Conditions:
Lynch syndrome 5 (LYNCH5). Also called: Colorectal cancer, hereditary nonpolyposis, type 5; Hereditary non-polyposis colorectal cancer, type 5. Identifiers: Orphanet 144, MedGen C1833477, MONDO:0013710, OMIM 614350. Disease mechanism: loss of function.
Hereditary nonpolyposis colorectal neoplasms. Identifiers: MedGen C0009405, MeSH D003123.
Hereditary cancer-predisposing syndrome. Also called: Neoplastic Syndromes, Hereditary; Tumor predisposition; Hereditary neoplastic syndrome; Hereditary Cancer Syndrome. Identifiers: Orphanet 140162, MedGen C0027672, MeSH D009386, MONDO:0015356.

gnomAD v4.1: 1 of 1,614,068 alleles (0.000062%); highest among the groups gnomAD compares: Admixed American, 0.0017%; no homozygotes.

Submissions (4):

Color Diagnostics, LLC DBA Color Health
Classification: Likely benign for Hereditary cancer-predisposing syndrome. Last evaluated: 2025-06-09. Review status: criteria provided, single submitter. Criteria: ACMG Guidelines, 2015. Collection method: clinical testing. Allele origin: germline.

Myriad Genetics, Inc.
Classification: Benign for Lynch syndrome 5. Last evaluated: 2024-12-26. Review status: criteria provided, single submitter. Criteria: Myriad Autosomal Dominant, Autosomal Recessive and X-Linked Classification Criteria (2023). Collection method: clinical testing. Allele origin: unknown.
Comment: This variant is considered benign. This variant is a silent/synonymous amino acid change and it is not expected to impact splicing.

Labcorp Genetics (formerly Invitae), Labcorp
Classification: Likely benign for Hereditary nonpolyposis colorectal neoplasms. Last evaluated: 2024-02-22. Review status: criteria provided, single submitter. Criteria: Invitae Variant Classification Sherloc (09022015). Collection method: clinical testing. Allele origin: germline.

Ambry Genetics
Classification: Likely benign for Hereditary cancer-predisposing syndrome. Last evaluated: 2024-02-20. Review status: criteria provided, single submitter. Criteria: Ambry Variant Classification Scheme 2023. Collection method: clinical testing. Allele origin: germline.

NM_000179.3(MSH6):c.1485A>G (p.Arg495=)

Gene: MSH6 (mutS homolog 6; plus strand). Cytogenetic location: 2p16.3.
Variant type: single nucleotide variant.
Coding change: c.1485A>G on transcript NM_000179.3 (MANE Select); coding-DNA position 1485, A replaced by G.
Protein change: p.Arg495=; no amino-acid change (arginine 495 retained).
Molecular consequence: synonymous variant. On other transcripts: non-coding transcript variant (4), intron variant (1).
Genome position (GRCh38, 1-based): chr2:47,799,468, A>G. VCF-style: chr2-47799468-A-G. GRCh37 (hg19) VCF-style: chr2-48026607-A-G.
Other names: c.1095A>G, p.Arg365= (NM_001281492.2); c.579A>G, p.Arg193= (NM_001281493.2, NM_001281494.2, NM_001406811.1 and 6 more transcripts); c.1581A>G, p.Arg527= (NM_001406795.1, NM_001406802.1); c.1485A>G, p.Arg495= (NM_001406796.1, NM_001406798.1, NM_001406800.1 and 4 more transcripts); c.1188A>G, p.Arg396= (NM_001406797.1, NM_001406801.1, NM_001406805.1 and 10 more transcripts); c.960A>G, p.Arg320= (NM_001406799.1, NM_001406806.1, NM_001406807.1); c.1407A>G, p.Arg469= (NM_001406804.1); c.1491A>G, p.Arg497= (NM_001406813.1); and 2 more.
Identifiers: ClinVar variation 3230503 (VCV003230503.5), dbSNP rs1572723164, ClinGen allele CA426121135.